The following is an entry in ClinVar:

ClinVar aggregate classification (germline): Pathogenic/Likely pathogenic. Review status: criteria provided, multiple submitters, no conflicts (2 of 4 stars). 5 submissions from 5 submitters: Pathogenic (2); Likely pathogenic (2). 1 of the submissions does not count toward it. Last evaluated 2025-09-10.
ClinVar aggregate classification (oncogenicity): Uncertain significance (1 of 4 stars; one submission).

Conditions:
Lymphangiomyomatosis (LAM). Also called: Lymphangioleiomyomatosis; Lymphangioleiomyomatosis, somatic. Identifiers: Orphanet 538, MedGen C0751674, MONDO:0011705, OMIM 606690.
Isolated focal cortical dysplasia type II (FCORD2). Also called: CORTICAL DYSPLASIA OF TAYLOR; Focal cortical dysplasia type II. Identifiers: Orphanet 268994, MedGen C1846385, MONDO:0011818, OMIM 607341, HP:0032051.
Tuberous sclerosis 2 (TSC2). Identifiers: Orphanet 805, MedGen C1860707, MONDO:0013199, OMIM 613254.
Tuberous sclerosis syndrome (TSC). Also called: Tuberous Sclerosis Complex; Tuberous sclerosis. Identifiers: Orphanet 805, MedGen C0041341, MONDO:0001734.
Neoplasm. Also called: tumor; Neoplasms; Neoplasm (disease). Identifiers: MedGen C0027651, MeSH D009369, MONDO:0005070, HP:0002664.

Submissions (6):

Center for Genomic Medicine, Rigshospitalet, Copenhagen University Hospital
Classification: Uncertain significance for Neoplasm. Last evaluated: 2026-10-16. Review status: criteria provided, single submitter. Criteria: ClinGen/CGC/VICC Guidelines for Oncogenicity, 2022. Collection method: clinical testing. Allele origin: somatic. Affected: yes.

Genomic Medicine Center of Excellence, King Faisal Specialist Hospital and Research Centre
Classification: Likely pathogenic for Tuberous sclerosis 2. Last evaluated: 2025-09-10. Review status: criteria provided, single submitter. Criteria: ACMG Guidelines, 2015. Collection method: clinical testing. Allele origin: germline.

GeneDx
Classification: Pathogenic. Last evaluated: 2025-07-08. Review status: criteria provided, single submitter. Criteria: GeneDx Variant Classification Process June 2021. Collection method: clinical testing. Allele origin: germline. Affected: yes.
Comment: Intronic variant directly or indirectly altering the +5 splice site in a gene for which loss of function is a known mechanism of disease, and splice predictors support a deleterious effect; Not observed at significant frequency in large population cohorts (gnomAD); This variant is associated with the following publications: (PMID: 25525159, 11112665, 10735580, 35870981)

Fulgent Genetics
Classification: Likely pathogenic for Lymphangiomyomatosis; Isolated focal cortical dysplasia type II; Tuberous sclerosis 2. Last evaluated: 2022-01-09. Review status: criteria provided, single submitter. Criteria: ACMG Guidelines, 2015. Collection method: clinical testing. Allele origin: unknown.

Labcorp Genetics (formerly Invitae), Labcorp
Classification: Pathogenic for Tuberous sclerosis 2. Last evaluated: 2021-11-10. Review status: criteria provided, single submitter. Criteria: Invitae Variant Classification Sherloc (09022015). Collection method: clinical testing. Allele origin: germline.
Comment: ClinVar contains an entry for this variant (Variation ID: 50192). For these reasons, this variant has been classified as Pathogenic. Variants that disrupt the consensus splice site are a relatively common cause of aberrant splicing (PMID: 17576681, 9536098). Algorithms developed to predict the effect of sequence changes on RNA splicing suggest that this variant may disrupt the consensus splice site. This variant has been observed in individual(s) with clinical features of tuberous sclerosis (PMID: 10735580, 11112665). In at least one individual the variant was observed to be de novo. This variant is not present in population databases (gnomAD no frequency). This sequence change falls in intron 2 of the TSC2 gene. It does not directly change the encoded amino acid sequence of the TSC2 protein. It affects a nucleotide within the consensus splice site.

Tuberous sclerosis database (TSC2)
No classification provided. Condition: TSC. Review status: no classification provided. Criteria: Tuberous Sclerosis Database Assertion Criteria 2015. Collection method: curation. Allele origin: germline. Affected: yes. Not counted in ClinVar's aggregate classification.

Literature cited by the submitters: PubMed 10735580 (cited by Center for Genomic Medicine, Rigshospitalet, Copenhagen University Hospital and Labcorp Genetics (formerly Invitae), Labcorp); PubMed 17576681 (cited by Labcorp Genetics (formerly Invitae), Labcorp); PubMed 9536098 (cited by Labcorp Genetics (formerly Invitae), Labcorp); PubMed 11112665 (cited by Labcorp Genetics (formerly Invitae), Labcorp).

NM_000548.5(TSC2):c.138+5G>A

Gene: TSC2 (TSC complex subunit 2; plus strand). Cytogenetic location: 16p13.3.
Variant type: single nucleotide variant.
Coding change: c.138+5G>A on transcript NM_000548.5 (MANE Select); 5 bases into the intron after coding-DNA position 138, G replaced by A.
Molecular consequence: intron variant.
Genome position (GRCh38, 1-based): chr16:2,048,758, G>A. VCF-style: chr16-2048758-G-A. GRCh37 (hg19) VCF-style: chr16-2098759-G-A.
Other names: c.138+5G>A (NM_001114382.3, NM_021055.3, NM_001370405.1 and 4 more transcripts); c.-89+5G>A (NM_001318831.2); c.-10+693G>A (NM_001318829.2); c.171+5G>A (NM_001318832.2).
Identifiers: ClinVar variation 50192 (VCV000050192.16), dbSNP rs45481400, ClinGen allele CA014690.